The following is an entry in ClinVar:

ClinVar aggregate classification (germline): Uncertain significance (1 of 4 stars; one submission).

Allele frequency attached by ClinVar (database versions not stated): gnomAD 0.00001.
gnomAD v4.1: 2 of 1,614,088 alleles (0.00012%); highest among the groups gnomAD compares: Admixed American, 0.0017%; no homozygotes.

Submission:

Labcorp Genetics (formerly Invitae), Labcorp
Classification: Uncertain significance. Last evaluated: 2021-05-17. Review status: criteria provided, single submitter. Criteria: Invitae Variant Classification Sherloc (09022015). Collection method: clinical testing. Allele origin: germline.
Comment: In summary, the available evidence is currently insufficient to determine the role of this variant in disease. Therefore, it has been classified as a Variant of Uncertain Significance. Advanced modeling of protein sequence and biophysical properties (such as structural, functional, and spatial information, amino acid conservation, physicochemical variation, residue mobility, and thermodynamic stability) performed at Invitae indicates that this missense variant is not expected to disrupt ABCA1 protein function. This variant has not been reported in the literature in individuals with ABCA1-related conditions. This variant is not present in population databases (ExAC no frequency). This sequence change replaces alanine with valine at codon 1291 of the ABCA1 protein (p.Ala1291Val). The alanine residue is weakly conserved and there is a small physicochemical difference between alanine and valine.

NM_005502.4(ABCA1):c.3872C>T (p.Ala1291Val)

Gene: ABCA1 (ATP binding cassette subfamily A member 1; minus strand). Cytogenetic location: 9q31.1.
Variant type: single nucleotide variant.
Coding change: c.3872C>T on transcript NM_005502.4 (MANE Select); coding-DNA position 3872, C replaced by T.
Protein change: p.Ala1291Val; replaces alanine 1291 with valine.
Molecular consequence: missense variant.
Genome position (GRCh38, 1-based): chr9:104,814,147, G>A on the plus strand (C>T on the coding strand, the complement: ABCA1 is on the minus strand). VCF-style: chr9-104814147-G-A. GRCh37 (hg19) VCF-style: chr9-107576428-G-A.
Other names: short protein forms A1291V.
Identifiers: ClinVar variation 1467071 (VCV001467071.8), dbSNP rs1831520438, ClinGen allele CA374317595.